The following is an entry in ClinVar:

ClinVar aggregate classification (germline): Pathogenic (1 of 4 stars; one submission).

Submission:

Labcorp Genetics (formerly Invitae), Labcorp
Classification: Pathogenic. Last evaluated: 2023-09-20. Review status: criteria provided, single submitter. Criteria: Invitae Variant Classification Sherloc (09022015). Collection method: clinical testing. Allele origin: germline.
Comment: For these reasons, this variant has been classified as Pathogenic. This sequence change affects a donor splice site in intron 6 of the LRP6 gene. It is expected to disrupt RNA splicing. Variants that disrupt the donor or acceptor splice site typically lead to a loss of protein function (PMID: 16199547), and loss-of-function variants in LRP6 are known to be pathogenic (PMID: 26387593). This variant is not present in population databases (gnomAD no frequency). Disruption of this splice site has been observed in individual(s) with tooth agenesis (Invitae). Algorithms developed to predict the effect of sequence changes on RNA splicing suggest that this variant may disrupt the consensus splice site.

Literature cited by the submitters: PubMed 16199547; PubMed 26387593.

NM_002336.3(LRP6):c.1373+1G>A

Gene: LRP6 (LDL receptor related protein 6; minus strand). Cytogenetic location: 12p13.2.
Variant type: single nucleotide variant.
Coding change: c.1373+1G>A on transcript NM_002336.3 (MANE Select); the canonical splice donor site of the intron after coding-DNA position 1373, G replaced by A.
Molecular consequence: splice donor variant.
Genome position (GRCh38, 1-based): chr12:12,181,042, C>T on the plus strand (G>A on the coding strand, the complement: LRP6 is on the minus strand). VCF-style: chr12-12181042-C-T. GRCh37 (hg19) VCF-style: chr12-12333976-C-T.
Other names: c.1373+1G>A (NM_001414245.1, NM_001414255.1, NM_001414251.1 and 5 more transcripts); c.920+1G>A (NM_001414253.1, NM_001414252.1, NM_001414254.1); c.1175+1G>A (NM_001414247.1).
Identifiers: ClinVar variation 2762205 (VCV002762205.3), dbSNP rs2498956114, ClinGen allele CA383950106.
Genomic context (GRCh38, chr12:12,181,042, plus strand): 5'-TTCAGGAACCTGTGAAAAACAGAAACACCACACAGAATTTACTATCAGTAGAGCTTCTTA[C>T]CCAACCATGGGATCTAACACAATAGCCCGGGGTTCCTCTAAGTCCTCTGAAATCAAGATC-3'